The following is an entry in ClinVar:

ClinVar aggregate classification (germline): Uncertain significance (1 of 4 stars; one submission).

Conditions:
Snijders Blok-Campeau syndrome. Also called: INTELLECTUAL DEVELOPMENTAL DISORDER WITH MACROCEPHALY, SPEECH DELAY, AND DYSMORPHIC FACIES. Identifiers: Orphanet 599082, MedGen C4748701, MONDO:0032600, OMIM 618205.

Submission:

3billion
Classification: Uncertain significance for Snijders Blok-Campeau syndrome. Last evaluated: 2025-10-10. Review status: criteria provided, single submitter. Criteria: ACMG Guidelines, 2015. Collection method: clinical testing. Allele origin: germline. Affected: yes.
Comment: The variant is not observed in the gnomAD v4.1.0 dataset. Predicted Consequence/Location: Missense variant In silico tool predictions suggest damaging effect of the variant on gene or gene product [REVEL: 0.60 (>=0.6, sensitivity 0.68 and specificity 0.92); 3Cnet: 0.95 (> 0.75, sensitivity 0.96 and precision 0.92)]. Therefore, this variant is classified as VUS according to the recommendation of ACMG/AMP guideline.

NM_001005273.3(CHD3):c.3553G>C (p.Val1185Leu)

Gene: CHD3 (chromodomain helicase DNA binding protein 3; plus strand). Cytogenetic location: 17p13.1.
Variant type: single nucleotide variant.
Coding change: c.3553G>C on transcript NM_001005273.3 (MANE Select); coding-DNA position 3553, G replaced by C.
Protein change: p.Val1185Leu; replaces valine 1185 with leucine.
Molecular consequence: missense variant.
Genome position (GRCh38, 1-based): chr17:7,903,329, G>C. VCF-style: chr17-7903329-G-C. GRCh37 (hg19) VCF-style: chr17-7806647-G-C.
Other names: c.3730G>C, p.Val1244Leu (NM_001005271.3, NM_001437504.1); c.3718G>C, p.Val1240Leu (NM_001437507.1, NM_001437508.1, NM_001437509.1); c.3553G>C, p.Val1185Leu (NM_005852.4); short protein forms V1185L, V1240L, V1244L.
Identifiers: ClinVar variation 4856207 (VCV004856207.1).